The following is an entry in ClinVar:

GRCh37/hg19 4p16.3(chr4:1918373-1953592)x1

Gene: NSD2 (nuclear receptor binding SET domain protein 2; plus strand). Cytogenetic location: 4p16.3.
Variant type: copy number loss.
Change: copy number 1 (one copy instead of two) of chr4:1,918,373-1,953,592 (35.2 kb, GRCh37 coordinates, 1-based), cytogenetic band 4p16.3.
Identifiers: ClinVar variation 3391883 (VCV003391883.1).

ClinVar aggregate classification (germline): Pathogenic (1 of 4 stars; one submission).

Submission:

Quest Diagnostics Nichols Institute San Juan Capistrano
Classification: Pathogenic. Last evaluated: 2024-02-29. Review status: criteria provided, single submitter. Criteria: ACMG/ClinGen CNV Guidelines, 2019. Collection method: clinical testing. Allele origin: unknown.
Comment: This loss involves exons 6-12 (NM_133330.3) of NSD2 (CCID:007580; OMIM 602952) and is predicted to result in a reading frame shift. Haploinsufficiency of NSD2 is associated with autosomal dominant Rauch-Steindl syndrome (OMIM 619695; CCID:007580; Barrie 2019, Bernardini 2018, Zanoni 2021). There are no similar copy number losses of this region in the general populations of the Database of Genomic Variants. Thus, this copy number variant (CNV) is classified as pathogenic. References: Barrie et al., Cold Spring Harb Mol Case Stud. 2019 Aug 1;5(4):a004044. PMID: 31171569; Bernardini et al., Am J Med Genet A. 2018 Nov;176(11):2501-2508. PMID: 30244530; Zanoni et al., Genet Med. 2021 Aug;23(8):1474-1483. PMID: 33941880